The following is an entry in ClinVar:

NM_000093.5(COL5A1):c.4698G>A (p.Pro1566=)

Genes: COL5A1 (collagen type V alpha 1 chain; plus strand), LOC101448202 (uncharacterized LOC101448202; minus strand). Cytogenetic location: 9q34.3.
Variant type: single nucleotide variant.
Coding change: c.4698G>A on transcript NM_000093.5 (MANE Select); coding-DNA position 4698, G replaced by A.
Protein change: p.Pro1566=; no amino-acid change (proline 1566 retained).
Molecular consequence: synonymous variant.
Genome position (GRCh38, 1-based): chr9:134,823,469, G>A. VCF-style: chr9-134823469-G-A. GRCh37 (hg19) VCF-style: chr9-137715315-G-A.
Other names: p.P1566P:CCG>CCA; p.Pro1566=; c.4698G>A, p.Pro1566= (NM_001278074.1).
Identifiers: ClinVar variation 136903 (VCV000136903.51), dbSNP rs147904867, ClinGen allele CA290299.

ClinVar aggregate classification (germline): Conflicting classifications of pathogenicity. Review status: criteria provided, conflicting classifications (1 of 4 stars). 6 submissions from 6 submitters: Uncertain significance (1); Benign (1); Likely benign (4). Last evaluated 2026-01-07.

Conditions:
Ehlers-Danlos syndrome, classic type, 1 (EDSCL1). Also called: Ehlers-Danlos syndrome, type 1; Ehlers-Danlos Syndrome, Classic Type, COL5A1-Related; EDS I; EHLERS-DANLOS SYNDROME, GRAVIS TYPE; EHLERS-DANLOS SYNDROME, SEVERE CLASSIC TYPE. Identifiers: MedGen C0268335, MONDO:0019567, OMIM 130000.
Familial thoracic aortic aneurysm and aortic dissection (TAAD). Also called: Thoracic aortic aneurysms and dissections. Identifiers: Orphanet 91387, MedGen C4707243, MONDO:0019625.

Allele frequency attached by ClinVar (database versions not stated): gnomAD 0.00005; gnomAD exomes 0.00005 and 0.00008; TOPMed 0.00005; ExAC 0.00006; ESP Exome Variant Server 0.00008.
gnomAD v4.1: 122 of 1,614,024 alleles (0.0076%); highest among the groups gnomAD compares: Non-Finnish European, 0.0094%; no homozygotes.

Submissions (6):

Labcorp Genetics (formerly Invitae), Labcorp
Classification: Likely benign for Ehlers-Danlos syndrome, classic type, 1. Last evaluated: 2026-01-07. Review status: criteria provided, single submitter. Criteria: Invitae Variant Classification Sherloc (09022015). Collection method: clinical testing. Allele origin: germline.

Mayo Clinic Laboratories, Mayo Clinic
Classification: Likely benign. Last evaluated: 2025-02-17. Review status: criteria provided, single submitter. Criteria: ACMG Guidelines, 2015. Collection method: clinical testing. Allele origin: germline. Observed: 4 variant alleles.
Comment: BS1, BP4, BP7

Blueprint Genetics
Classification: Likely benign. Last evaluated: 2024-03-18. Review status: criteria provided, single submitter. Criteria: ACMG Guidelines, 2015. Collection method: clinical testing. Allele origin: germline.

Ambry Genetics
Classification: Uncertain significance for Familial thoracic aortic aneurysm and aortic dissection. Last evaluated: 2021-03-23. Review status: criteria provided, single submitter. Criteria: Ambry Variant Classification Scheme 2023. Collection method: clinical testing. Allele origin: germline.
Comment: The c.4698G>A (p.P1566P) alteration is located in exon 61 (coding exon 61) of the COL5A1 gene. This alteration consists of a G to A substitution at nucleotide position 4698. This nucleotide substitution does not change the amino acid at codon 1566. However, this change occurs in the last nucleotide of Exon 61 (c.4645_4698) which makes it likely to have some effect on normal mRNA splicing. Based on insufficient or conflicting evidence, the clinical significance of this alteration remains unclear.

CeGaT Center for Human Genetics Tuebingen
Classification: Likely benign. Last evaluated: 2018-07-01. Review status: criteria provided, single submitter. Criteria: CeGaT Center For Human Genetics Tuebingen Variant Classification Criteria Version 2. Collection method: clinical testing. Allele origin: germline. Affected: yes. Observed: 1 variant allele.

GeneDx
Classification: Benign. Last evaluated: 2014-03-02. Review status: criteria provided, single submitter. Criteria: GeneDx Variant Classification (06012015). Collection method: clinical testing. Allele origin: germline. Affected: yes.
Comment: This variant is considered likely benign or benign based on one or more of the following criteria: it is a conservative change, it occurs at a poorly conserved position in the protein, it is predicted to be benign by multiple in silico algorithms, and/or has population frequency not consistent with disease.